The following is an entry in ClinVar:

ClinVar aggregate classification (germline): Pathogenic/Likely pathogenic. Review status: criteria provided, multiple submitters, no conflicts (2 of 4 stars). 6 submissions from 6 submitters: Pathogenic (5); Likely pathogenic (1). Last evaluated 2026-01-23.

Conditions:
Becker muscular dystrophy, Cardiomyopathy, Duchenne muscular dystrophy, Dystrophin deficiency.
Progressive muscular dystrophy. Identifiers: Orphanet 206644, MedGen C4551827, MONDO:0016106.
Duchenne muscular dystrophy (DMD). Also called: Duchenne Muscular Dystrophy (DMD); MUSCULAR DYSTROPHY, PSEUDOHYPERTROPHIC PROGRESSIVE, DUCHENNE TYPE. Identifiers: Orphanet 98896, MedGen C0013264, MONDO:0010679, OMIM 310200.

Submissions (6):

Natera, Inc.
Classification: Pathogenic for Becker muscular dystrophy, Cardiomyopathy, Duchenne muscular dystrophy, Dystrophin deficiency. Last evaluated: 2026-01-23. Review status: criteria provided, single submitter. Criteria: Natera Variant Classification Schema (03/2026). Collection method: clinical testing. Allele origin: germline.
Comment: The c.1653G>A variant in DMD is a nonsense variant predicted to introduce a stop codon at amino acid 551. This variant is expected to result in nonsense mediated decay, truncation, or a dysfunctional protein product. This variant is rare in the general population with a frequency below the threshold expected for the associated phenotype(s). This variant has been observed in affected individual(s) with monoallelic occurrence (heterozygous/hemizygous) (PMID: 41066171). Given the available evidence, this variant is classified as Pathogenic.

Myriad Genetics, Inc.
Classification: Pathogenic for Progressive muscular dystrophy. Last evaluated: 2024-05-08. Review status: criteria provided, single submitter. Criteria: Myriad Autosomal Dominant, Autosomal Recessive and X-Linked Classification Criteria (2023). Collection method: clinical testing. Allele origin: unknown.
Comment: NM_004006.2(DMD):c.1653G>A(W551*) is expected to be pathogenic in the context of dystrophinopathy (including Duchenne/Becker muscular dystrophy). This variant is predicted to lead to an abnormal or absent protein product due to the creation of a premature termination codon in DMD, a gene where loss-of-function variants are known to be pathogenic. Please note: this variant was assessed in the context of healthy population screening.

Revvity Omics, Revvity
Classification: Likely pathogenic. Last evaluated: 2022-11-07. Review status: criteria provided, single submitter. Criteria: ACMG Guidelines, 2015. Collection method: clinical testing. Allele origin: germline.

Victorian Clinical Genetics Services, Murdoch Childrens Research Institute
Classification: Pathogenic for Duchenne muscular dystrophy. Last evaluated: 2022-03-31. Review status: criteria provided, single submitter. Criteria: ACMG Guidelines, 2015. Collection method: clinical testing. Allele origin: germline. Inheritance: X-linked recessive inheritance.
Comment: Based on the classification scheme VCGS_Germline_v1.3.4, this variant is classified as Pathogenic. Following criteria are met: 0102 - Loss of function is a known mechanism of disease in this gene and is associated with Becker muscular dystrophy (MIM#300376), Duchenne muscular dystrophy (MIM#310200) and dilated cardiomyopathy 3B (MIM#302045). (I) 0109 - This gene is associated with X-linked recessive disease, relating to the muscular dystrophy phenotypes. However, it is also associated with dilated cardiomyopathy, which can affect heterozygous females (OMIM, PMID: 26066469). (I) 0201 - Variant is predicted to cause nonsense-mediated decay (NMD) and loss of protein (premature termination codon is located at least 54 nucleotides upstream of the final exon-exon junction). (SP) 0251 - This variant is heterozygous. (I) 0301 - Variant is absent from gnomAD (both v2 and v3). (SP) 0701 - Other NMD-predicted variants comparable to the one identified in this case have very strong previous evidence for pathogenicity. These variants have been reported many times as pathogenic (DECIPHER). (SP) 0801 - This variant has strong previous evidence of pathogenicity in unrelated individuals. This variant, and another nucleotide change (c.1652G>A) resulting in the same protein outcome, have been reported as pathogenic and observed in hemizygous individuals with Duchenne muscular dystrophy (ClinVar, PMID: 34297739, PMID: 31727011, PMID: 19367636). (SP) 1208 - Inheritance information for this variant is not currently available in this individual. (I) Legend: (SP) - Supporting pathogenic, (I) - Information, (SB) - Supporting benign

Labcorp Genetics (formerly Invitae), Labcorp
Classification: Pathogenic for Duchenne muscular dystrophy. Last evaluated: 2021-09-06. Review status: criteria provided, single submitter. Criteria: Invitae Variant Classification Sherloc (09022015). Collection method: clinical testing. Allele origin: germline.
Comment: This sequence change creates a premature translational stop signal (p.Trp551*) in the DMD gene. It is expected to result in an absent or disrupted protein product. Loss-of-function variants in DMD are known to be pathogenic (PMID: 16770791, 25007885). This variant is not present in population databases (ExAC no frequency). This premature translational stop signal has been observed in individual(s) with DMD (PMID: 16770791, 19367636). For these reasons, this variant has been classified as Pathogenic.

Athena Diagnostics
Classification: Pathogenic. Last evaluated: 2016-12-31. Review status: criteria provided, single submitter. Criteria: Athena Diagnostics Criteria. Collection method: clinical testing. Allele origin: germline.

Literature cited by the submitters: PubMed 41066171 (cited by Natera, Inc.); PubMed 19367636 (cited by Victorian Clinical Genetics Services, Murdoch Childrens Research Institute and Labcorp Genetics (formerly Invitae), Labcorp); PubMed 26066469 (cited by Victorian Clinical Genetics Services, Murdoch Childrens Research Institute); PubMed 31727011 (cited by Victorian Clinical Genetics Services, Murdoch Childrens Research Institute); PubMed 34297739 (cited by Victorian Clinical Genetics Services, Murdoch Childrens Research Institute); PubMed 16770791 (cited by Labcorp Genetics (formerly Invitae), Labcorp); PubMed 25007885 (cited by Labcorp Genetics (formerly Invitae), Labcorp).

NM_004006.3(DMD):c.1653G>A (p.Trp551Ter)

Gene: DMD (dystrophin; minus strand). Cytogenetic location: Xp21.1.
Variant type: single nucleotide variant.
Coding change: c.1653G>A on transcript NM_004006.3 (MANE Select); coding-DNA position 1653, G replaced by A.
Protein change: p.Trp551Ter; replaces tryptophan 551 with a stop codon.
Molecular consequence: nonsense.
Genome position (GRCh38, 1-based): chrX:32,573,796, C>T on the plus strand (G>A on the coding strand, the complement: DMD is on the minus strand). VCF-style: chrX-32573796-C-T. GRCh37 (hg19) VCF-style: chrX-32591913-C-T.
Other names: c.1629G>A, p.Trp543Ter (NM_000109.4); c.1641G>A, p.Trp547Ter (NM_004009.3); c.1284G>A, p.Trp428Ter (NM_004010.3); short protein forms W551*, W428*, W543*, W547*.
Identifiers: ClinVar variation 409899 (VCV000409899.12), dbSNP rs1060502629, ClinGen allele CA16616525.